The following is an entry in ClinVar:

NM_001374385.1(ATP8B1):c.1892G>A (p.Arg631Gln)

Gene: ATP8B1 (ATPase phospholipid transporting 8B1; minus strand). Cytogenetic location: 18q21.31.
Variant type: single nucleotide variant.
Coding change: c.1892G>A on transcript NM_001374385.1 (MANE Select); coding-DNA position 1892, G replaced by A.
Protein change: p.Arg631Gln; replaces arginine 631 with glutamine.
Molecular consequence: missense variant.
Genome position (GRCh38, 1-based): chr18:57,671,508, C>T on the plus strand (G>A on the coding strand, the complement: ATP8B1 is on the minus strand). VCF-style: chr18-57671508-C-T. GRCh37 (hg19) VCF-style: chr18-55338740-C-T.
Other names: c.1742G>A, p.Arg581Gln (NM_001374386.1); c.1892G>A, p.Arg631Gln (NM_005603.6); short protein forms R631Q, R581Q.
Identifiers: ClinVar variation 194747 (VCV000194747.37), dbSNP rs150499790, ClinGen allele CA240890.

ClinVar aggregate classification (germline): Conflicting classifications of pathogenicity. Review status: criteria provided, conflicting classifications (1 of 4 stars). 6 submissions from 6 submitters: Uncertain significance (2); Likely benign (3). 1 of the submissions does not count toward it. Last evaluated 2026-01-28.

Conditions:
ATP8B1-related disorder. Also called: ATP8B1-related condition; ATP8B1-related disorders.
Inborn genetic diseases. Identifiers: MedGen C0950123, MeSH D030342.

Allele frequency attached by ClinVar (database versions not stated): gnomAD exomes 0.00012 and 0.00030; 1000 Genomes Project 30x 0.00031; ExAC 0.00034; 1000 Genomes Project 0.00040; gnomAD 0.00071 and 0.00075; ESP Exome Variant Server 0.00077; TOPMed 0.00094.
gnomAD v4.1: 292 of 1,614,010 alleles (0.018%); highest among the groups gnomAD compares: African/African-American, 0.26%; 1 homozygote.

Submissions (6):

Labcorp Genetics (formerly Invitae), Labcorp
Classification: Likely benign. Last evaluated: 2026-01-28. Review status: criteria provided, single submitter. Criteria: Invitae Variant Classification Sherloc (09022015). Collection method: clinical testing. Allele origin: germline.

Ambry Genetics
Classification: Likely benign for Inborn genetic diseases. Last evaluated: 2022-11-30. Review status: criteria provided, single submitter. Criteria: Ambry Variant Classification Scheme 2023. Collection method: clinical testing. Allele origin: germline.

GeneDx
Classification: Uncertain significance. Last evaluated: 2022-06-24. Review status: criteria provided, single submitter. Criteria: GeneDx Variant Classification Process June 2021. Collection method: clinical testing. Allele origin: germline. Affected: yes.
Comment: In silico analysis supports that this missense variant does not alter protein structure/function; Has not been previously published as pathogenic or benign to our knowledge

CeGaT Center for Human Genetics Tuebingen
Classification: Likely benign. Last evaluated: 2022-04-01. Review status: criteria provided, single submitter. Criteria: CeGaT Center For Human Genetics Tuebingen Variant Classification Criteria Version 2. Collection method: clinical testing. Allele origin: germline. Affected: yes. Observed: 1 variant allele.
Comment: ATP8B1: BP4

Eurofins Ntd Llc (ga)
Classification: Uncertain significance. Last evaluated: 2018-09-04. Review status: criteria provided, single submitter. Criteria: EGL ClinVar v180209 classification definitions. Collection method: clinical testing. Allele origin: germline. Observed: 14 variant alleles, 14 heterozygotes.

PreventionGenetics, part of Exact Sciences
Classification: Likely benign for ATP8B1-related condition. Last evaluated: 2022-10-06. Review status: no assertion criteria provided. Collection method: clinical testing. Allele origin: germline. Not counted in ClinVar's aggregate classification.
Comment: This variant is classified as likely benign based on ACMG/AMP sequence variant interpretation guidelines (Richards et al. 2015 PMID: 25741868, with internal and published modifications).